The following is an entry in ClinVar:

NM_014847.4(UBAP2L):c.1241T>C (p.Val414Ala)

Gene: UBAP2L (ubiquitin associated protein 2 like; plus strand). Cytogenetic location: 1q21.3.
Variant type: single nucleotide variant.
Coding change: c.1241T>C on transcript NM_014847.4 (MANE Select); coding-DNA position 1241, T replaced by C.
Protein change: p.Val414Ala; replaces valine 414 with alanine.
Molecular consequence: missense variant.
Genome position (GRCh38, 1-based): chr1:154,251,068, T>C. VCF-style: chr1-154251068-T-C. GRCh37 (hg19) VCF-style: chr1-154223544-T-C.
Other names: c.1241T>C, p.Val414Ala (NM_001127320.3, NM_001375614.1, NM_001375615.1 and 14 more transcripts); c.1220T>C, p.Val407Ala (NM_001287815.1); c.1274T>C, p.Val425Ala (NM_001287816.1, NM_001330730.1, NM_001375612.1 and 2 more transcripts); short protein forms V407A, V414A, V425A.
Identifiers: ClinVar variation 3388036 (VCV003388036.14).

ClinVar aggregate classification (germline): Likely benign (1 of 4 stars; one submission).

gnomAD v4.1: 4,860 of 1,613,492 alleles (0.3%); highest among the groups gnomAD compares: Non-Finnish European, 0.36%; 11 homozygotes.

Submission:

CeGaT Center for Human Genetics Tuebingen
Classification: Likely benign. Last evaluated: 2026-07-01. Review status: criteria provided, single submitter. Criteria: CeGaT Center For Human Genetics Tuebingen Variant Classification Criteria Version 2. Collection method: clinical testing. Allele origin: germline. Affected: yes. Observed: 2 variant alleles.
Comment: UBAP2L: BP4, BS2